The following is an entry in ClinVar:

NM_001163278.2(TENM1):c.855T>C (p.Asn285=)

Gene: TENM1 (teneurin transmembrane protein 1; minus strand). Cytogenetic location: Xq25.
Variant type: single nucleotide variant.
Coding change: c.855T>C on transcript NM_001163278.2 (MANE Select); coding-DNA position 855, T replaced by C.
Protein change: p.Asn285=; no amino-acid change (asparagine 285 retained).
Molecular consequence: synonymous variant.
Genome position (GRCh38, 1-based): chrX:124,705,173, A>G on the plus strand (T>C on the coding strand, the complement: TENM1 is on the minus strand). VCF-style: chrX-124705173-A-G. GRCh37 (hg19) VCF-style: chrX-123839023-A-G.
Other names: c.855T>C, p.Asn285= (NM_001163279.1, NM_014253.3).
Identifiers: ClinVar variation 3052993 (VCV003052993.2), dbSNP rs370998456, ClinGen allele CA10510382.

ClinVar aggregate classification (germline): Likely benign (0 of 4 stars; one submission).

Conditions:
TENM1-related disorder. Also called: TENM1-related condition.

Allele frequency attached by ClinVar (database versions not stated): ExAC 0.00002; gnomAD 0.00005; TOPMed 0.00006; gnomAD exomes 0.00008; ESP Exome Variant Server 0.00009.
gnomAD v4.1: 94 of 1,209,390 alleles (0.0078%); highest among the groups gnomAD compares: Non-Finnish European, 0.0097%; no homozygotes.

Submission:

PreventionGenetics, part of Exact Sciences
Classification: Likely benign for TENM1-related condition. Last evaluated: 2019-08-16. Review status: no assertion criteria provided. Collection method: clinical testing. Allele origin: germline.
Comment: This variant is classified as likely benign based on ACMG/AMP sequence variant interpretation guidelines (Richards et al. 2015 PMID: 25741868, with internal and published modifications).